The following is an entry in ClinVar:

ClinVar aggregate classification (germline): Pathogenic/Likely pathogenic. Review status: criteria provided, multiple submitters, no conflicts (2 of 4 stars). 2 submissions from 2 submitters: Pathogenic (1); Likely pathogenic (1). Last evaluated 2024-02-14.

Conditions:
Autosomal recessive nonsyndromic hearing loss 8 (DFNB8). Also called: NEUROSENSORY NONSYNDROMIC RECESSIVE DEAFNESS 8; Deafness, autosomal recessive 10. Identifiers: Orphanet 90636, MedGen C1832827, MONDO:0010987, OMIM 601072.

Allele frequency attached by ClinVar (database versions not stated): gnomAD 0.00001; gnomAD exomes 0.00001; TOPMed 0.00001.

Submissions (2):

Fulgent Genetics
Classification: Likely pathogenic for Autosomal recessive nonsyndromic hearing loss 8. Last evaluated: 2024-02-14. Review status: criteria provided, single submitter. Criteria: ACMG Guidelines, 2015. Collection method: clinical testing. Allele origin: germline.

Labcorp Genetics (formerly Invitae), Labcorp
Classification: Pathogenic. Last evaluated: 2023-10-13. Review status: criteria provided, single submitter. Criteria: Invitae Variant Classification Sherloc (09022015). Collection method: clinical testing. Allele origin: germline.
Comment: This sequence change creates a premature translational stop signal (p.Trp133*) in the TMPRSS3 gene. It is expected to result in an absent or disrupted protein product. Loss-of-function variants in TMPRSS3 are known to be pathogenic (PMID: 16021470, 26969326). This variant is present in population databases (no rsID available, gnomAD 0.002%). This variant has not been reported in the literature in individuals affected with TMPRSS3-related conditions. For these reasons, this variant has been classified as Pathogenic.

Literature cited by the submitters: PubMed 16021470 (cited by Labcorp Genetics (formerly Invitae), Labcorp); PubMed 26969326 (cited by Labcorp Genetics (formerly Invitae), Labcorp).

NM_001256317.3(TMPRSS3):c.399G>A (p.Trp133Ter)

Gene: TMPRSS3 (transmembrane serine protease 3; minus strand). Cytogenetic location: 21q22.3.
Variant type: single nucleotide variant.
Coding change: c.399G>A on transcript NM_001256317.3 (MANE Select); coding-DNA position 399, G replaced by A.
Protein change: p.Trp133Ter; replaces tryptophan 133 with a stop codon.
Molecular consequence: nonsense.
Genome position (GRCh38, 1-based): chr21:42,388,450, C>T on the plus strand (G>A on the coding strand, the complement: TMPRSS3 is on the minus strand). VCF-style: chr21-42388450-C-T. GRCh37 (hg19) VCF-style: chr21-43808559-C-T.
Other names: c.399G>A (NM_024022.3); c.399G>A, p.Trp133Ter (NM_024022.4, NM_032405.2); c.18G>A, p.Trp6Ter (NM_032404.3); short protein forms W6*, W133*.
Identifiers: ClinVar variation 3018931 (VCV003018931.4), dbSNP rs1410667316, ClinGen allele CA410375379.